The following is an entry in ClinVar:

ClinVar aggregate classification (germline): Uncertain significance. Review status: criteria provided, multiple submitters, no conflicts (2 of 4 stars). 2 submissions from 2 submitters: Uncertain significance (2). Last evaluated 2025-08-01.

Conditions:
Inborn genetic diseases. Identifiers: MedGen C0950123, MeSH D030342.

Allele frequency attached by ClinVar (database versions not stated): ESP Exome Variant Server 0.00058; gnomAD 0.00044 and 0.00046; gnomAD exomes 0.00054 and 0.00043; 1000 Genomes Project 30x 0.00062; ExAC 0.00048; 1000 Genomes Project 0.00080.
gnomAD v4.1: 858 of 1,613,712 alleles (0.053%); highest among the groups gnomAD compares: Middle Eastern, 0.066%; 1 homozygote.

Submissions (2):

Ambry Genetics
Classification: Uncertain significance for Inborn genetic diseases. Last evaluated: 2025-08-01. Review status: criteria provided, single submitter. Criteria: Ambry Variant Classification Scheme 2023. Collection method: clinical testing. Allele origin: germline.

GeneDx
Classification: Uncertain significance. Last evaluated: 2022-10-19. Review status: criteria provided, single submitter. Criteria: GeneDx Variant Classification Process June 2021. Collection method: clinical testing. Allele origin: germline.
Comment: In silico analysis supports that this missense variant does not alter protein structure/function; Has not been previously published as pathogenic or benign to our knowledge

NM_001080477.4(TENM3):c.2590G>T (p.Ala864Ser)

Gene: TENM3 (teneurin transmembrane protein 3; plus strand). Cytogenetic location: 4q35.1.
Variant type: single nucleotide variant.
Coding change: c.2590G>T on transcript NM_001080477.4 (MANE Select); coding-DNA position 2590, G replaced by T.
Protein change: p.Ala864Ser; replaces alanine 864 with serine.
Molecular consequence: missense variant.
Genome position (GRCh38, 1-based): chr4:182,730,204, G>T. VCF-style: chr4-182730204-G-T. GRCh37 (hg19) VCF-style: chr4-183651357-G-T.
Other names: c.2590G>T (NM_001080477.1); short protein forms A864S.
Identifiers: ClinVar variation 1698091 (VCV001698091.6), dbSNP rs200117470, ClinGen allele CA3148022.